The following is an entry in ClinVar:

ClinVar aggregate classification (germline): Benign/Likely benign. Review status: criteria provided, multiple submitters, no conflicts (2 of 4 stars). 5 submissions from 5 submitters: Benign (3); Likely benign (2). Last evaluated 2026-02-01.

Conditions:
Familial cold autoinflammatory syndrome 3 (FCAS3). Also called: FAMILIAL ATYPICAL COLD URTICARIA; ANTIBODY DEFICIENCY AND IMMUNE DYSREGULATION, PLCG2-ASSOCIATED. Identifiers: Orphanet 300359, MedGen C3280914, MONDO:0013766, OMIM 614468.

Allele frequency attached by ClinVar (database versions not stated): gnomAD 0.00041 and 0.00063; TOPMed 0.00053; ESP Exome Variant Server 0.00063; gnomAD exomes 0.00088 and 0.00134; 1000 Genomes Project 30x 0.00094; 1000 Genomes Project 0.00100; ExAC 0.00142.
gnomAD v4.1: 1,411 of 1,614,106 alleles (0.087%); highest among the groups gnomAD compares: South Asian, 0.68%; 14 homozygotes.

Submissions (5):

Labcorp Genetics (formerly Invitae), Labcorp
Classification: Benign for Familial cold autoinflammatory syndrome 3. Last evaluated: 2026-02-01. Review status: criteria provided, single submitter. Criteria: Invitae Variant Classification Sherloc (09022015). Collection method: clinical testing. Allele origin: germline.

CeGaT Center for Human Genetics Tuebingen
Classification: Likely benign. Last evaluated: 2025-09-01. Review status: criteria provided, single submitter. Criteria: CeGaT Center For Human Genetics Tuebingen Variant Classification Criteria Version 2. Collection method: clinical testing. Allele origin: germline. Affected: yes. Observed: 7 variant alleles.
Comment: PLCG2: BP4, BP7, BS2

Blueprint Genetics
Classification: Likely benign. Last evaluated: 2024-11-27. Review status: criteria provided, single submitter. Criteria: ACMG Guidelines, 2015. Collection method: clinical testing. Allele origin: germline.

Mayo Clinic Laboratories, Mayo Clinic
Classification: Benign. Last evaluated: 2021-12-06. Review status: criteria provided, single submitter. Criteria: ACMG Guidelines, 2015. Collection method: clinical testing. Allele origin: germline. Observed: 2 variant alleles.
Comment: BS1, BS2, BP4, BP7

Breakthrough Genomics
Classification: Benign. Review status: criteria provided, single submitter. Criteria: ACMG Guidelines, 2015. Collection method: not provided. Allele origin: germline. Inheritance: Autosomal dominant inheritance. Affected: yes.

NM_002661.5(PLCG2):c.1107C>T (p.Val369=)

Gene: PLCG2 (phospholipase C gamma 2; plus strand). Cytogenetic location: 16q23.3.
Variant type: single nucleotide variant.
Coding change: c.1107C>T on transcript NM_002661.5 (MANE Select); coding-DNA position 1107, C replaced by T.
Protein change: p.Val369=; no amino-acid change (valine 369 retained).
Molecular consequence: synonymous variant.
Genome position (GRCh38, 1-based): chr16:81,895,841, C>T. VCF-style: chr16-81895841-C-T. GRCh37 (hg19) VCF-style: chr16-81929446-C-T.
Other names: p.Val369=.
Identifiers: ClinVar variation 472887 (VCV000472887.45), dbSNP rs201652976, ClinGen allele CA8193606.